The following is an entry in ClinVar:

NM_000130.5(F5):c.1004A>T (p.Asn335Ile)

Gene: F5 (coagulation factor V; minus strand). Cytogenetic location: 1q24.2.
Variant type: single nucleotide variant.
Coding change: c.1004A>T on transcript NM_000130.5 (MANE Select); coding-DNA position 1004, A replaced by T.
Protein change: p.Asn335Ile; replaces asparagine 335 with isoleucine.
Molecular consequence: missense variant.
Genome position (GRCh38, 1-based): chr1:169,555,296, T>A on the plus strand (A>T on the coding strand, the complement: F5 is on the minus strand). VCF-style: chr1-169555296-T-A. GRCh37 (hg19) VCF-style: chr1-169524534-T-A.
Other names: short protein forms N335I.
Identifiers: ClinVar variation 2567186 (VCV002567186.2), dbSNP rs369986546, ClinGen allele CA1234454.

ClinVar aggregate classification (germline): Uncertain significance (1 of 4 stars; one submission).

Conditions:
Inborn genetic diseases. Identifiers: MedGen C0950123, MeSH D030342.

Allele frequency attached by ClinVar (database versions not stated): gnomAD exomes 0.00001; ESP Exome Variant Server 0.00008.

Submission:

Ambry Genetics
Classification: Uncertain significance for Inborn genetic diseases. Last evaluated: 2023-05-27. Review status: criteria provided, single submitter. Criteria: Ambry Variant Classification Scheme 2023. Collection method: clinical testing. Allele origin: germline.
Comment: The p.N335I variant (also known as c.1004A>T), located in coding exon 7 of the F5 gene, results from an A to T substitution at nucleotide position 1004. The asparagine at codon 335 is replaced by isoleucine, an amino acid with dissimilar properties. This amino acid position is conserved. In addition, this alteration is predicted to be tolerated by in silico analysis. Since supporting evidence is limited at this time, the clinical significance of this alteration remains unclear.